The following is an entry in ClinVar:

NM_003242.6(TGFBR2):c.1547C>T (p.Thr516Met)

Gene: TGFBR2 (transforming growth factor beta receptor 2; plus strand). Cytogenetic location: 3p24.1.
Variant type: single nucleotide variant.
Coding change: c.1547C>T on transcript NM_003242.6 (MANE Select); coding-DNA position 1547, C replaced by T.
Protein change: p.Thr516Met; replaces threonine 516 with methionine.
Molecular consequence: missense variant.
Genome position (GRCh38, 1-based): chr3:30,691,442, C>T. VCF-style: chr3-30691442-C-T. GRCh37 (hg19) VCF-style: chr3-30732934-C-T.
Other names: c.1622C>T, p.Thr541Met (NM_001024847.3); c.1730C>T, p.Thr577Met (NM_001407126.1); c.1655C>T, p.Thr552Met (NM_001407127.1); c.1574C>T, p.Thr525Met (NM_001407128.1); c.1550C>T, p.Thr517Met (NM_001407129.1); c.1544C>T, p.Thr515Met (NM_001407130.1); c.1442C>T, p.Thr481Met (NM_001407132.1, NM_001407133.1, NM_001407134.1 and 2 more transcripts); c.1262C>T, p.Thr421Met (NM_001407137.1); and 2 more; short protein forms T516M, T541M, T396M, T421M, T517M, T577M, T226M, T552M.
Identifiers: ClinVar variation 408435 (VCV000408435.9), dbSNP rs149847376, ClinGen allele CA047010.

ClinVar aggregate classification (germline): Uncertain significance. Review status: criteria provided, multiple submitters, no conflicts (2 of 4 stars). 4 submissions from 4 submitters: Uncertain significance (4). Last evaluated 2025-10-13.

Conditions:
Familial thoracic aortic aneurysm and aortic dissection (TAAD). Also called: Thoracic aortic aneurysms and dissections. Identifiers: Orphanet 91387, MedGen C4707243, MONDO:0019625.
Loeys-Dietz syndrome 2 (LDS2). Also called: TGFBR2-Related Loeys-Dietz Syndrome; Marfan syndrome, type 2 (formerly); AORTIC ANEURYSM, FAMILIAL THORACIC 3; MARFAN SYNDROME, TYPE II; Marfan Syndrome type 2; Marfan like connective tissue disorder. Identifiers: Orphanet 284973, Orphanet 558, MedGen C2674574, MONDO:0012427, OMIM 610168.
Malignant tumor of esophagus. Also called: Esophageal cancer; Esophageal cancer, somatic. Identifiers: Orphanet 99977, MedGen C0546837, MONDO:0007576, OMIM 133239.
Colorectal cancer, hereditary nonpolyposis, type 6. Also called: Colon cancer, hereditary nonpolyposis, type 6; Colon cancer, hereditary nonpolyposis, type 6, somatic. Identifiers: Orphanet 144, MedGen C1860896, MONDO:0013695, OMIM 614331.

Allele frequency attached by ClinVar (database versions not stated): gnomAD 0.00001; gnomAD exomes 0.00001 and 0.00002; TOPMed 0.00001; ExAC 0.00002; ESP Exome Variant Server 0.00008.
gnomAD v4.1: 14 of 1,613,882 alleles (0.00087%); highest among the groups gnomAD compares: Admixed American, 0.012%; no homozygotes.

Submissions (4):

Labcorp Genetics (formerly Invitae), Labcorp
Classification: Uncertain significance for Familial thoracic aortic aneurysm and aortic dissection. Last evaluated: 2025-10-13. Review status: criteria provided, single submitter. Criteria: Invitae Variant Classification Sherloc (09022015). Collection method: clinical testing. Allele origin: germline.
Comment: This sequence change replaces threonine, which is neutral and polar, with methionine, which is neutral and non-polar, at codon 516 of the TGFBR2 protein (p.Thr516Met). This variant is present in population databases (rs149847376, gnomAD 0.01%). This variant has not been reported in the literature in individuals affected with TGFBR2-related conditions. ClinVar contains an entry for this variant (Variation ID: 408435). Invitae Evidence Modeling of protein sequence and biophysical properties (such as structural, functional, and spatial information, amino acid conservation, physicochemical variation, residue mobility, and thermodynamic stability) indicates that this missense variant is not expected to disrupt TGFBR2 protein function with a negative predictive value of 95%. In summary, the available evidence is currently insufficient to determine the role of this variant in disease. Therefore, it has been classified as a Variant of Uncertain Significance.

Color Diagnostics, LLC DBA Color Health
Classification: Uncertain significance for Familial thoracic aortic aneurysm and aortic dissection. Last evaluated: 2023-08-09. Review status: criteria provided, single submitter. Criteria: ACMG Guidelines, 2015. Collection method: clinical testing. Allele origin: germline.
Comment: This missense variant replaces threonine with methionine at codon 516 of the TGFBR2 protein. Computational prediction suggests that this variant may not impact protein structure and function. To our knowledge, functional studies have not been reported for this variant. This variant has not been reported in individuals affected with TGFBR2-related disorders in the literature. This variant has been identified in 6/250970 chromosomes in the general population by the Genome Aggregation Database (gnomAD). The available evidence is insufficient to determine the role of this variant in disease conclusively. Therefore, this variant is classified as a Variant of Uncertain Significance.

CHEO Genetics Diagnostic Laboratory, Children's Hospital of Eastern Ontario
Classification: Uncertain significance for Familial thoracic aortic aneurysm and aortic dissection. Last evaluated: 2022-12-15. Review status: criteria provided, single submitter. Criteria: ACMG Guidelines, 2015. Collection method: clinical testing. Allele origin: germline.

Fulgent Genetics
Classification: Uncertain significance for Malignant tumor of esophagus; Loeys-Dietz syndrome 2; Colorectal cancer, hereditary nonpolyposis, type 6. Last evaluated: 2021-09-20. Review status: criteria provided, single submitter. Criteria: ACMG Guidelines, 2015. Collection method: clinical testing. Allele origin: unknown.